The following is an entry in ClinVar:

NM_000459.5(TEK):c.2078C>T (p.Thr693Ile)

Gene: TEK (TEK receptor tyrosine kinase; plus strand). Cytogenetic location: 9p21.2.
Variant type: single nucleotide variant.
Coding change: c.2078C>T on transcript NM_000459.5 (MANE Select); coding-DNA position 2078, C replaced by T.
Protein change: p.Thr693Ile; replaces threonine 693 with isoleucine.
Molecular consequence: missense variant.
Genome position (GRCh38, 1-based): chr9:27,202,988, C>T. VCF-style: chr9-27202988-C-T. GRCh37 (hg19) VCF-style: chr9-27202986-C-T.
Other names: p.Thr693Ile; c.1949C>T, p.Thr650Ile (NM_001290077.2, NM_001375476.1); c.1637C>T, p.Thr546Ile (NM_001290078.2); c.2078C>T, p.Thr693Ile (NM_001375475.1); c.2078C>T (NM_000459.4); short protein forms T693I, T650I, T546I.
Identifiers: ClinVar variation 431835 (VCV000431835.7), dbSNP rs141769154, ClinGen allele CA5016400.
Genomic context (GRCh38, chr9:27,202,988, plus strand): 5'-GTTACAAGGTTCAAGGCAAGAATGAAGACCAGCACGTTGATGTGAAGATAAAGAATGCCA[C>T]CATCACTCAGTATCAGCTCAAGGGCCTAGAGCCTGAAACAGCATACCAGGTGGACATTTT-3'
Protein context (NP_000450.3, residues 683-703): QHVDVKIKNA[Thr693Ile]ITQYQLKGLE

ClinVar aggregate classification (germline): Conflicting classifications of pathogenicity. Review status: criteria provided, conflicting classifications (1 of 4 stars). 4 submissions from 4 submitters: Uncertain significance (3); Benign (1). Last evaluated 2026-01-01.

Conditions:
Multiple cutaneous and mucosal venous malformations (VMCM). Also called: TEK-Related Multiple Cutaneous and Mucosal Venous Malformations (VMCM). Identifiers: Orphanet 2451, MedGen C1838437, MONDO:0010842, OMIM 600195.
Glaucoma 3, primary congenital, E (GLC3E). Identifiers: MedGen C4310639, MONDO:0014998, OMIM 617272.

Allele frequency attached by ClinVar (database versions not stated): 1000 Genomes Project 0.00020; ESP Exome Variant Server 0.00054; gnomAD exomes 0.00011 and 0.00006; 1000 Genomes Project 30x 0.00016; gnomAD 0.00036 and 0.00039; ExAC 0.00015; TOPMed 0.00037.
gnomAD v4.1: 134 of 1,614,108 alleles (0.0083%); highest among the groups gnomAD compares: African/African-American, 0.16%; no homozygotes.

Submissions (4):

Labcorp Genetics (formerly Invitae), Labcorp
Classification: Benign. Last evaluated: 2026-01-01. Review status: criteria provided, single submitter. Criteria: Invitae Variant Classification Sherloc (09022015). Collection method: clinical testing. Allele origin: germline.

Mayo Clinic Laboratories, Mayo Clinic
Classification: Uncertain significance. Last evaluated: 2025-05-07. Review status: criteria provided, single submitter. Criteria: ACMG Guidelines, 2015. Collection method: clinical testing. Allele origin: germline. Observed: 1 variant allele.
Comment: BS1

Clinical Genomics Laboratory, Washington University in St. Louis
Classification: Uncertain significance for Glaucoma 3, primary congenital, E; Multiple cutaneous and mucosal venous malformations. Last evaluated: 2024-05-08. Review status: criteria provided, single submitter. Criteria: ACMG Guidelines, 2015. Collection method: clinical testing. Allele origin: germline.
Comment: The TEK c.2078C>T (p.Thr693Ile) variant was identified at near heterozygous allelic fraction of 49.8%, which may be consistent with it being of germline origin. The highest population minor allele frequency in the population database gnomAD (gnomAD.v.4.1.0) is 0.16%. The TEK c.2078C>T (p.Thr693Ile) variant has been reported in the ClinVar database as a germline variant of uncertain significance by one submitter (ClinVar ID: 431835). Computational predictors are uncertain as to the impact of this variant on TIE2 function. Due to conflicting information, and based on ACMG/AMP guidelines for variant interpretation (Richards S et al., PMID: 25741868), the clinical significance of this variant is uncertain at this time.

GeneDx
Classification: Uncertain significance. Last evaluated: 2019-09-18. Review status: criteria provided, single submitter. Criteria: GeneDx Variant Classification Process June 2021. Collection method: clinical testing. Allele origin: germline. Affected: yes.
Comment: In silico analysis, which includes protein predictors and evolutionary conservation, supports a deleterious effect; This variant is associated with the following publications: (PMID: 26633542)

Literature cited by the submitters: PubMed 26633542 (cited by Mayo Clinic Laboratories, Mayo Clinic); PubMed 36995002 (cited by Mayo Clinic Laboratories, Mayo Clinic).